The following is an entry in ClinVar:

ClinVar aggregate classification (germline): Likely benign (1 of 4 stars; one submission).

gnomAD v4.1: 80 of 1,609,598 alleles (0.005%); highest among the groups gnomAD compares: Admixed American, 0.13%; no homozygotes.

Submission:

CeGaT Center for Human Genetics Tuebingen
Classification: Likely benign. Last evaluated: 2026-09-01. Review status: criteria provided, single submitter. Criteria: CeGaT Center For Human Genetics Tuebingen Variant Classification Criteria Version 2. Collection method: clinical testing. Allele origin: germline. Affected: yes. Observed: 1 variant allele.
Comment: CDK8: BP4, BP7

NM_001260.3(CDK8):c.222G>A (p.Lys74=)

Gene: CDK8 (cyclin dependent kinase 8; plus strand). Cytogenetic location: 13q12.13.
Variant type: single nucleotide variant.
Coding change: c.222G>A on transcript NM_001260.3 (MANE Select); coding-DNA position 222, G replaced by A.
Protein change: p.Lys74=; no amino-acid change (lysine 74 retained).
Molecular consequence: synonymous variant. On other transcripts: 5 prime UTR variant (1).
Genome position (GRCh38, 1-based): chr13:26,349,089, G>A. VCF-style: chr13-26349089-G-A. GRCh37 (hg19) VCF-style: chr13-26923226-G-A.
Other names: c.222G>A, p.Lys74= (NM_001318368.2); c.-240G>A (NM_001346501.2).
Identifiers: ClinVar variation 5041413 (VCV005041413.1).